The following is an entry in ClinVar:

ClinVar aggregate classification (germline): Pathogenic. Review status: criteria provided, multiple submitters, no conflicts (2 of 4 stars). 3 submissions from 3 submitters: Pathogenic (2). 1 of the submissions does not count toward it. Last evaluated 2025-07-07.

Conditions:
Hereditary cancer-predisposing syndrome. Also called: Neoplastic Syndromes, Hereditary; Hereditary neoplastic syndrome; Tumor predisposition; Hereditary Cancer Syndrome. Identifiers: Orphanet 140162, MedGen C0027672, MeSH D009386, MONDO:0015356.
Hereditary breast ovarian cancer syndrome. Also called: Hereditary breast and ovarian cancer; Hereditary breast and/or ovarian cancer syndrome; Hereditary breast and ovarian cancer syndrome (HBOC); Breast and ovarian cancer; BRCA1- and BRCA2-Associated Hereditary Breast and Ovarian Cancer; Hereditary breast and ovarian cancer syndrome. Identifiers: Orphanet 145, MedGen C0677776, MeSH D061325, MONDO:0003582. Disease mechanism: loss of function.
Breast-ovarian cancer, familial, susceptibility to, 2 (BROVCA2). Also called: BRCA2 Hereditary Breast and Ovarian Cancer. Identifiers: Orphanet 145, MedGen C2675520, MONDO:0012933, OMIM 612555. Disease mechanism: loss of function.

Submissions (3):

Labcorp Genetics (formerly Invitae), Labcorp
Classification: Pathogenic for Hereditary breast ovarian cancer syndrome. Last evaluated: 2025-07-07. Review status: criteria provided, single submitter. Criteria: Invitae Variant Classification Sherloc (09022015). Collection method: clinical testing. Allele origin: germline.
Comment: This sequence change creates a premature translational stop signal (p.His1256Leufs*3) in the BRCA2 gene. It is expected to result in an absent or disrupted protein product. Loss-of-function variants in BRCA2 are known to be pathogenic (PMID: 20104584). This variant is not present in population databases (gnomAD no frequency). This variant has not been reported in the literature in individuals affected with BRCA2-related conditions. ClinVar contains an entry for this variant (Variation ID: 548859). For these reasons, this variant has been classified as Pathogenic.

Ambry Genetics
Classification: Pathogenic for Hereditary cancer-predisposing syndrome. Last evaluated: 2023-01-04. Review status: criteria provided, single submitter. Criteria: Ambry Variant Classification Scheme 2023. Collection method: clinical testing. Allele origin: germline.
Comment: The c.3767delA variant, located in coding exon 10 of the BRCA2 gene, results from a deletion of one nucleotide at nucleotide position 3767, causing a translational frameshift with a predicted alternate stop codon (p.H1256Lfs*3). This variant is considered to be rare based on population cohorts in the Genome Aggregation Database (gnomAD). This alteration is expected to result in loss of function by premature protein truncation or nonsense-mediated mRNA decay. As such, this alteration is interpreted as a disease-causing mutation.

Counsyl
Classification: Likely pathogenic for Breast-ovarian cancer, familial, susceptibility to, 2. Last evaluated: 2018-02-16. Review status: no assertion criteria provided. Collection method: clinical testing. Allele origin: unknown. Not counted in ClinVar's aggregate classification.

Literature cited by the submitters: PubMed 20104584 (cited by Labcorp Genetics (formerly Invitae), Labcorp).

NM_000059.4(BRCA2):c.3767del (p.His1256fs)

Gene: BRCA2 (BRCA2 DNA repair associated; plus strand). Cytogenetic location: 13q13.1.
Variant type: Deletion.
Coding change: c.3767del on transcript NM_000059.4 (MANE Select); coding-DNA position 3767, one base deleted (A; older notation c.3767delA).
Protein change: p.His1256fs; shifts the reading frame from histidine 1256.
Molecular consequence: frameshift variant.
Genome position (GRCh38, 1-based): chr13:32,338,122, A deleted. VCF-style (leftmost placement, unchanged base first): chr13-32338121-CA-C. GRCh37 (hg19) VCF-style: chr13-32912258-CA-C.
Other names: c.3767delA (NM_000059.3); short protein forms H1256fs.
Identifiers: ClinVar variation 548859 (VCV000548859.7), dbSNP rs1555283393, ClinGen allele CA658823692.